The following is an entry in ClinVar:

ClinVar aggregate classification (germline): Benign. Review status: criteria provided, multiple submitters, no conflicts (2 of 4 stars). 3 submissions from 3 submitters: Benign (2). 1 of the submissions does not count toward it. Last evaluated 2019-12-31.

Conditions:
MAP1B-related disorder. Also called: MAP1B-related condition.

Allele frequency attached by ClinVar (database versions not stated): gnomAD exomes 0.00122 and 0.00292; ExAC 0.00353; 1000 Genomes Project 0.00958; 1000 Genomes Project 30x 0.01031; gnomAD 0.01122 and 0.01205; ESP Exome Variant Server 0.01253; TOPMed 0.01270.
gnomAD v4.1: 3,556 of 1,614,174 alleles (0.22%); highest among the groups gnomAD compares: African/African-American, 4%; 61 homozygotes.

Submissions (3):

Labcorp Genetics (formerly Invitae), Labcorp
Classification: Benign. Last evaluated: 2019-12-31. Review status: criteria provided, single submitter. Criteria: Invitae Variant Classification Sherloc (09022015). Collection method: clinical testing. Allele origin: germline.

Breakthrough Genomics
Classification: Benign. Review status: criteria provided, single submitter. Criteria: ACMG Guidelines, 2015. Collection method: not provided. Allele origin: germline. Inheritance: Autosomal dominant inheritance. Affected: yes.

PreventionGenetics, part of Exact Sciences
Classification: Benign for MAP1B-related condition. Last evaluated: 2019-02-22. Review status: no assertion criteria provided. Collection method: clinical testing. Allele origin: germline. Not counted in ClinVar's aggregate classification.
Comment: This variant is classified as benign based on ACMG/AMP sequence variant interpretation guidelines (Richards et al. 2015 PMID: 25741868, with internal and published modifications).

NM_005909.5(MAP1B):c.3887C>T (p.Pro1296Leu)

Gene: MAP1B (microtubule associated protein 1B; plus strand). Cytogenetic location: 5q13.2.
Variant type: single nucleotide variant.
Coding change: c.3887C>T on transcript NM_005909.5 (MANE Select); coding-DNA position 3887, C replaced by T.
Protein change: p.Pro1296Leu; replaces proline 1296 with leucine.
Molecular consequence: missense variant.
Genome position (GRCh38, 1-based): chr5:72,197,242, C>T. VCF-style: chr5-72197242-C-T. GRCh37 (hg19) VCF-style: chr5-71493069-C-T.
Other names: c.3509C>T, p.Pro1170Leu (NM_001324255.2); short protein forms P1296L, P1170L.
Identifiers: ClinVar variation 712573 (VCV000712573.7), dbSNP rs34093016, ClinGen allele CA3299068.
Genomic context (GRCh38, chr5:72,197,242, plus strand): 5'-GTGTGAACTTCTCTCTGACGCCCAATGAGATTAAAGTCTCTGCAGAGGCAGAAGTAGCCC[C>T]GGTGTCTCCTGAGGTGACCCAAGAAGTAGTTGAAGAACATTGTGCTAGTCCTGAGGACAA-3'
Protein context (NP_005900.2, residues 1286-1306): IKVSAEAEVA[Pro1296Leu]VSPEVTQEVV